The following is an entry in ClinVar:

NM_001606.5(ABCA2):c.1122G>T (p.Gly374=)

Gene: ABCA2 (ATP binding cassette subfamily A member 2; minus strand). Cytogenetic location: 9q34.3.
Variant type: single nucleotide variant.
Coding change: c.1122G>T on transcript NM_001606.5 (MANE Select); coding-DNA position 1122, G replaced by T.
Protein change: p.Gly374=; no amino-acid change (glycine 374 retained).
Molecular consequence: synonymous variant.
Genome position (GRCh38, 1-based): chr9:137,020,837, C>A on the plus strand (G>T on the coding strand, the complement: ABCA2 is on the minus strand). VCF-style: chr9-137020837-C-A. GRCh37 (hg19) VCF-style: chr9-139915289-C-A.
Other names: c.1119G>T, p.Gly373= (NM_001411042.1); c.1212G>T, p.Gly404= (NM_212533.3).
Identifiers: ClinVar variation 2659790 (VCV002659790.25), dbSNP rs762073704, ClinGen allele CA5355586.

ClinVar aggregate classification (germline): Likely benign. Review status: criteria provided, multiple submitters, no conflicts (2 of 4 stars). 2 submissions from 2 submitters: Likely benign (2). Last evaluated 2024-11-14.

Allele frequency attached by ClinVar (database versions not stated): ExAC 0.00018; gnomAD 0.00025; TOPMed 0.00030; 1000 Genomes Project 30x 0.00031.

Submissions (2):

Blueprint Genetics
Classification: Likely benign. Last evaluated: 2024-11-14. Review status: criteria provided, single submitter. Criteria: ACMG Guidelines, 2015. Collection method: clinical testing. Allele origin: germline.

CeGaT Center for Human Genetics Tuebingen
Classification: Likely benign. Last evaluated: 2024-11-01. Review status: criteria provided, single submitter. Criteria: CeGaT Center For Human Genetics Tuebingen Variant Classification Criteria Version 2. Collection method: clinical testing. Allele origin: germline. Affected: yes. Observed: 2 variant alleles.
Comment: ABCA2: BP4, BP7